The following is an entry in ClinVar:

NC_012920.1(MT-ATP8):m.8427T>C

Gene: MT-ATP8 (mitochondrially encoded ATP synthase 8; plus strand).
Variant type: single nucleotide variant.
Genome position: chrM-8427-T-C.
Identifiers: ClinVar variation 3255387 (VCV003255387.3).

ClinVar aggregate classification (germline): Likely benign (1 of 4 stars; one submission).

Conditions:
Leigh syndrome (NULS). Also called: Leigh's syndrome; Leigh Disease; Subacute necrotizing encephalopathy; Necrotizing encephalopathy infantile subacute of Leigh; LEIGH SYNDROME, NUCLEAR; Leigh Syndrome (mtDNA deletion). Identifiers: Orphanet 506, MedGen C2931891, MONDO:0009723, OMIM 256000.

Submission:

Key Laboratory of Laboratory Medicine, Ministry of Education, Wenzhou Medical University
Classification: Likely benign for Leigh syndrome. Last evaluated: 2024-03-01. Review status: criteria provided, single submitter. Criteria: ACMG Guidelines, 2015. Collection method: research, in vitro. Allele origin: de novo, not applicable. Affected: yes. Observed: 1 variant allele. Functional consequence: functionally_normal.
Comment: BS3(ACMG Guidelines, 2015)